The following is an entry in ClinVar:

ClinVar aggregate classification (germline): Uncertain significance (1 of 4 stars; one submission).

Conditions:
Marfan syndrome (MFS). Also called: MARFAN SYNDROME, TYPE I; Marfan syndrome type 1; Marfan's syndrome; FBN1-Related Marfan Syndrome; Marfan syndrome, classic. Identifiers: Orphanet 284963, Orphanet 558, MedGen C0024796, MONDO:0007947, OMIM 154700.

Submission:

Victorian Clinical Genetics Services, Murdoch Childrens Research Institute
Classification: Uncertain significance for Marfan syndrome. Last evaluated: 2020-10-19. Review status: criteria provided, single submitter. Criteria: ACMG Guidelines, 2015. Collection method: clinical testing. Allele origin: germline. Inheritance: Autosomal dominant inheritance.
Comment: Based on the classification scheme VCGS_Germline_v1.3.3, this variant is classified as VUS-3B. Following criteria are met: 0103 - Dominant negative and loss of function are known mechanisms of disease in this gene and are associated with FBN1-related disease. Variants predicted to result in nonsense mediated decay cause loss of function effects, and are more commonly associated with severe Marfan syndrome. Missense with both dominant negative and loss of function effects on protein function are also associated with causing Marfan syndrome and ectopia lentis (OMIM, PMID: 29357934). The exact genotype-phenotype correlation for this gene is still unclear, and compounded by variable expressivity (GeneReviews). 0108 - This gene is associated with both recessive and dominant disease. Patients with a recessive form of disease have Marfan syndrome however, there are very few reports (OMIM). (I) 0115 - Variants in this gene are known to have variable expressivity. The genotype-phenotype correlations for this gene are unclear, with single variants reported in patients with a range of phenotypes (GeneReviews, OMIM). (I) 0200 - Variant is predicted to result in a missense amino acid change from serine to phenylalanine. (I) 0251 - This variant is heterozygous. (I) 0301 - Variant is absent from gnomAD (both v2 and v3). (SP) 0502 - Missense variant with conflicting in silico predictions and uninformative conservation. (I) 0600 - Variant is located in the annotated TB domain (PDB). (I) 0705 - No comparable missense variants have previous evidence for pathogenicity. (I) 0807 - This variant has no previous evidence of pathogenicity. (I) 0905 - No published segregation evidence has been identified for this variant. (I) 1007 - No published functional evidence has been identified for this variant. (I) 1208 - Inheritance information for this variant is not currently available in this individual. (I) Legend: (SP) - Supporting pathogenic, (I) - Information, (SB) - Supporting benign

Literature cited by the submitters: PubMed 29357934.

NM_000138.5(FBN1):c.4748C>T (p.Ser1583Phe)

Gene: FBN1 (fibrillin 1; minus strand). Cytogenetic location: 15q21.1.
Variant type: single nucleotide variant.
Coding change: c.4748C>T on transcript NM_000138.5 (MANE Select); coding-DNA position 4748, C replaced by T.
Protein change: p.Ser1583Phe; replaces serine 1583 with phenylalanine.
Molecular consequence: missense variant.
Genome position (GRCh38, 1-based): chr15:48,465,858, G>A on the plus strand (C>T on the coding strand, the complement: FBN1 is on the minus strand). VCF-style: chr15-48465858-G-A. GRCh37 (hg19) VCF-style: chr15-48758055-G-A.
Other names: c.4748C>T, p.Ser1583Phe (NM_001406716.1); short protein forms S1583F.
Identifiers: ClinVar variation 3376889 (VCV003376889.1).